The following is an entry in ClinVar:

ClinVar aggregate classification (germline): Likely benign. Review status: criteria provided, multiple submitters, no conflicts (2 of 4 stars). 4 submissions from 4 submitters: Likely benign (4). Last evaluated 2026-02-01.

Conditions:
Fanconi anemia (FA). Also called: Fanconi's anemia. Identifiers: Orphanet 84, MedGen C0015625, MeSH D005199, MONDO:0019391.

Allele frequency attached by ClinVar (database versions not stated): ExAC 0.00002; gnomAD exomes 0.00002 and 0.00008; gnomAD 0.00007 and 0.00008; TOPMed 0.00007.

Submissions (4):

Labcorp Genetics (formerly Invitae), Labcorp
Classification: Likely benign for Fanconi anemia. Last evaluated: 2026-02-01. Review status: criteria provided, single submitter. Criteria: Invitae Variant Classification Sherloc (09022015). Collection method: clinical testing. Allele origin: germline.

CeGaT Center for Human Genetics Tuebingen
Classification: Likely benign. Last evaluated: 2024-10-01. Review status: criteria provided, single submitter. Criteria: CeGaT Center For Human Genetics Tuebingen Variant Classification Criteria Version 2. Collection method: clinical testing. Allele origin: germline. Affected: yes. Observed: 1 variant allele.
Comment: SLX4: BP4, BP7

Blueprint Genetics
Classification: Likely benign. Last evaluated: 2023-08-04. Review status: criteria provided, single submitter. Criteria: ACMG Guidelines, 2015. Collection method: clinical testing. Allele origin: germline.

Genetic Services Laboratory, University of Chicago
Classification: Likely benign. Last evaluated: 2018-04-18. Review status: criteria provided, single submitter. Criteria: ACMG Guidelines, 2015. Collection method: clinical testing. Allele origin: germline. Affected: no.

NM_032444.4(SLX4):c.4665C>T (p.Pro1555=)

Gene: SLX4 (SLX4 structure-specific endonuclease subunit; minus strand). Cytogenetic location: 16p13.3.
Variant type: single nucleotide variant.
Coding change: c.4665C>T on transcript NM_032444.4 (MANE Select); coding-DNA position 4665, C replaced by T.
Protein change: p.Pro1555=; no amino-acid change (proline 1555 retained).
Molecular consequence: synonymous variant.
Genome position (GRCh38, 1-based): chr16:3,584,843, G>A on the plus strand (C>T on the coding strand, the complement: SLX4 is on the minus strand). VCF-style: chr16-3584843-G-A. GRCh37 (hg19) VCF-style: chr16-3634844-G-A.
Other names: c.4665C>T (LRG_503t1).
Identifiers: ClinVar variation 526449 (VCV000526449.28), dbSNP rs749018784, ClinGen allele CA7865557.